The following is an entry in ClinVar:

ClinVar aggregate classification (germline): Pathogenic (1 of 4 stars; one submission).

Conditions:
Congenital disorder of glycosylation type 1E (CDG1E). Also called: CONGENITAL DISORDER OF GLYCOSYLATION, TYPE Ie; CDG Ie. Identifiers: Orphanet 79322, MedGen C1837396, MONDO:0012123, OMIM 608799.

Submission:

Labcorp Genetics (formerly Invitae), Labcorp
Classification: Pathogenic for Congenital disorder of glycosylation type 1E. Last evaluated: 2022-11-05. Review status: criteria provided, single submitter. Criteria: Invitae Variant Classification Sherloc (09022015). Collection method: clinical testing. Allele origin: unknown.
Comment: For these reasons, this variant has been classified as Pathogenic. This variant disrupts a region of the DPM1 protein in which other variant(s) (p.Gly152Val)) have been determined to be pathogenic (PMID: 23856421, 26729507; Invitae). This suggests that this is a clinically significant region of the protein, and that variants that disrupt it are likely to be disease-causing. This variant has not been reported in the literature in individuals affected with DPM1-related conditions. This variant is a gross deletion of the genomic region encompassing exon(s) 2-9 of the DPM1 gene, which includes the termination codon. This deletion extends beyond the assayed region for this gene and therefore may encompass additional genes. While this deletion is not anticipated to lead to nonsense mediated decay, it is expected to alter mRNA translation or result in a truncated protein product.

Literature cited by the submitters: PubMed 23856421; PubMed 26729507.

NC_000020.10:g.(?_49520406)_(49571842_?)del

Genes: ADNP (activity dependent neuroprotector homeobox; minus strand), DPM1 (dolichyl-phosphate mannosyltransferase subunit 1, catalytic; minus strand). Cytogenetic location: 20q13.13.
Variant type: Deletion.
Identifiers: ClinVar variation 3248272 (VCV003248272.1).